The following is an entry in ClinVar:

NM_017780.4(CHD7):c.1285A>G (p.Asn429Asp)

Gene: CHD7 (chromodomain helicase DNA binding protein 7; plus strand). Cytogenetic location: 8q12.2.
Variant type: single nucleotide variant.
Coding change: c.1285A>G on transcript NM_017780.4 (MANE Select); coding-DNA position 1285, A replaced by G.
Protein change: p.Asn429Asp; replaces asparagine 429 with aspartic acid.
Molecular consequence: missense variant.
Genome position (GRCh38, 1-based): chr8:60,742,717, A>G. VCF-style: chr8-60742717-A-G. GRCh37 (hg19) VCF-style: chr8-61655276-A-G.
Other names: c.1285A>G, p.Asn429Asp (NM_001316690.1); short protein forms N429D.
Identifiers: ClinVar variation 2145264 (VCV002145264.6), dbSNP rs771200821, ClinGen allele CA177313424.
Genomic context (GRCh38, chr8:60,742,717, plus strand): 5'-CCTCCTCCACAAGTCAGGCCGGGAAGTGCTGGGATACCAATGGAAGTTGGCAGTTATCCA[A>G]ATATGCCCCATCCTCAGCCATCTCACCAGCCCCCTGGTGCCATGGGAATCGGACAGAGGA-3'
Protein context (NP_060250.2, residues 419-439): GIPMEVGSYP[Asn429Asp]MPHPQPSHQP

ClinVar aggregate classification (germline): Conflicting classifications of pathogenicity. Review status: criteria provided, conflicting classifications (1 of 4 stars). 3 submissions from 3 submitters: Uncertain significance (1); Benign (1); Likely benign (1). Last evaluated 2025-03-11.

Conditions:
Hypogonadotropic hypogonadism 5 with or without anosmia (KAL5). Also called: HYPOGONADOTROPIC HYPOGONADISM 5 WITH ANOSMIA; HYPOGONADOTROPHIC HYPOGONADISM 5 WITHOUT ANOSMIA; CHD7-Related GnRH Deficiency (Kallmann Syndrome 5). Identifiers: Orphanet 478, MedGen C3552553, MONDO:0012880, OMIM 612370. Disease mechanism: loss of function.
CHARGE syndrome (CHARGE). Also called: Hittner Hirsch Kreh syndrome; CHARGE ASSOCIATION--COLOBOMA, HEART ANOMALY, CHOANAL ATRESIA, RETARDATION, GENITAL AND EAR ANOMALIES; Coloboma, heart anomaly, choanal atresia, retardation, genital and ear anomalies; CHARGE association; Hall-Hittner syndrome. Identifiers: Orphanet 138, MedGen C0265354, MONDO:0008965.

Allele frequency attached by ClinVar (database versions not stated): gnomAD 0.00001; TOPMed 0.00001.
gnomAD v4.1: 8 of 1,613,600 alleles (0.0005%); highest among the groups gnomAD compares: African/African-American, 0.0027%; no homozygotes.

Submissions (3):

GeneDx
Classification: Uncertain significance. Last evaluated: 2025-03-11. Review status: criteria provided, single submitter. Criteria: GeneDx Variant Classification Process June 2021. Collection method: clinical testing. Allele origin: germline. Affected: yes.
Comment: In silico analysis indicates that this missense variant does not alter protein structure/function; Has not been previously published as pathogenic or benign to our knowledge

Fulgent Genetics
Classification: Likely benign for CHD7-related CHARGE syndrome; Hypogonadotropic hypogonadism 5 with or without anosmia. Last evaluated: 2024-05-16. Review status: criteria provided, single submitter. Criteria: ACMG Guidelines, 2015. Collection method: clinical testing. Allele origin: germline.

Labcorp Genetics (formerly Invitae), Labcorp
Classification: Benign for CHARGE syndrome. Last evaluated: 2022-05-20. Review status: criteria provided, single submitter. Criteria: Invitae Variant Classification Sherloc (09022015). Collection method: clinical testing. Allele origin: germline.